The following is an entry in ClinVar:

NM_006086.4(TUBB3):c.854C>T (p.Thr285Ile)

Gene: TUBB3 (tubulin beta 3 class III; plus strand). Cytogenetic location: 16q24.3.
Variant type: single nucleotide variant.
Coding change: c.854C>T on transcript NM_006086.4 (MANE Select); coding-DNA position 854, C replaced by T.
Protein change: p.Thr285Ile; replaces threonine 285 with isoleucine.
Molecular consequence: missense variant.
Genome position (GRCh38, 1-based): chr16:89,935,305, C>T. VCF-style: chr16-89935305-C-T. GRCh37 (hg19) VCF-style: chr16-90001713-C-T.
Other names: c.638C>T, p.Thr213Ile (NM_001197181.2); short protein forms T285I, T213I.
Identifiers: ClinVar variation 2136043 (VCV002136043.1), dbSNP rs2544627791, ClinGen allele CA397475602.

ClinVar aggregate classification (germline): Uncertain significance (1 of 4 stars; one submission).

Submission:

GeneDx
Classification: Uncertain significance. Last evaluated: 2022-07-15. Review status: criteria provided, single submitter. Criteria: GeneDx Variant Classification Process June 2021. Collection method: clinical testing. Allele origin: germline. Affected: yes.
Comment: Not observed at significant frequency in large population cohorts (gnomAD); Missense variants in this gene are often considered pathogenic (HGMD); In silico analysis supports that this missense variant has a deleterious effect on protein structure/function; Has not been previously published as pathogenic or benign to our knowledge; This variant is associated with the following publications: (PMID: 20829227)